The following is an entry in ClinVar:

NM_001876.4(CPT1A):c.627del (p.Phe209fs)

Gene: CPT1A (carnitine palmitoyltransferase 1A; minus strand). Cytogenetic location: 11q13.3.
Variant type: Deletion.
Coding change: c.627del on transcript NM_001876.4 (MANE Select); coding-DNA position 627, one base deleted (T; older notation c.627delT).
Protein change: p.Phe209fs; shifts the reading frame from phenylalanine 209.
Molecular consequence: frameshift variant.
Genome position (GRCh38, 1-based): chr11:68,799,284, A deleted on the plus strand (T on the coding strand, the reverse complement: CPT1A is on the minus strand); the first of 4 consecutive A bases (chr11:68,799,284-68,799,287); deleting any one gives the same sequence. VCF-style (leftmost placement, unchanged base first): chr11-68799283-CA-C. GRCh37 (hg19) VCF-style: chr11-68566751-CA-C.
Other names: c.627del, p.Phe209fs (NM_001031847.3, NM_001440358.1, NM_001440359.1 and 6 more transcripts); short protein forms F209fs.
Identifiers: ClinVar variation 4814980 (VCV004814980.1).

ClinVar aggregate classification (germline): Likely pathogenic (1 of 4 stars; one submission).

Conditions:
Carnitine palmitoyl transferase 1A deficiency. Also called: CPT I DEFICIENCY; CPT DEFICIENCY, HEPATIC, TYPE I; Carnitine palmitoyltransferase type I deficiency; CPT deficiency, hepatic, type IA; Carnitine palmitoyltransferase 1A deficiency. Identifiers: Orphanet 156, MedGen C1829703, MONDO:0009705, OMIM 255120.

Submission:

Natera, Inc.
Classification: Likely pathogenic for Carnitine palmitoyltransferase type I deficiency. Last evaluated: 2025-08-15. Review status: criteria provided, single submitter. Criteria: Natera Variant Classification Schema (03/2026). Collection method: clinical testing. Allele origin: germline.
Comment: The c.627del variant in CPT1A is a frameshift variant predicted to shift the reading frame beginning at codon 209 and leads to a stop codon 13 codons downstream. This variant is expected to result in nonsense mediated decay, truncation, or a dysfunctional protein product. This variant is rare in the general population with a frequency below the threshold expected for the associated phenotype(s). Given the available evidence, this variant is classified as Likely Pathogenic.